The following is an entry in ClinVar:

NM_153006.3(NAGS):c.544G>C (p.Ala182Pro)

Gene: NAGS (N-acetylglutamate synthase; plus strand). Cytogenetic location: 17q21.31.
Variant type: single nucleotide variant.
Coding change: c.544G>C on transcript NM_153006.3 (MANE Select); coding-DNA position 544, G replaced by C.
Protein change: p.Ala182Pro; replaces alanine 182 with proline.
Molecular consequence: missense variant.
Genome position (GRCh38, 1-based): chr17:44,005,754, G>C. VCF-style: chr17-44005754-G-C. GRCh37 (hg19) VCF-style: chr17-42083122-G-C.
Other names: short protein forms A182P.
Identifiers: ClinVar variation 1959725 (VCV001959725.2), dbSNP rs756269139, ClinGen allele CA8595166.

ClinVar aggregate classification (germline): Uncertain significance (1 of 4 stars; one submission).

Conditions:
Hyperammonemia, type III (NAGSD). Also called: Hyperammonemia due to N-acetylglutamate synthase deficiency. Identifiers: Orphanet 927, MedGen C0268543, MONDO:0009377, OMIM 237310.

Allele frequency attached by ClinVar (database versions not stated): gnomAD exomes below 0.00001; TOPMed below 0.00001.
gnomAD v4.1: 3 of 1,590,118 alleles (0.00019%); highest among the groups gnomAD compares: Non-Finnish European, 0.00026%; no homozygotes.

Submission:

Labcorp Genetics (formerly Invitae), Labcorp
Classification: Uncertain significance for Hyperammonemia, type III. Last evaluated: 2022-10-24. Review status: criteria provided, single submitter. Criteria: Invitae Variant Classification Sherloc (09022015). Collection method: clinical testing. Allele origin: germline.
Comment: This sequence change replaces alanine, which is neutral and non-polar, with proline, which is neutral and non-polar, at codon 182 of the NAGS protein (p.Ala182Pro). This variant is not present in population databases (gnomAD no frequency). This variant has not been reported in the literature in individuals affected with NAGS-related conditions. Advanced modeling of protein sequence and biophysical properties (such as structural, functional, and spatial information, amino acid conservation, physicochemical variation, residue mobility, and thermodynamic stability) performed at Invitae indicates that this missense variant is not expected to disrupt NAGS protein function. In summary, the available evidence is currently insufficient to determine the role of this variant in disease. Therefore, it has been classified as a Variant of Uncertain Significance.